The following is an entry in ClinVar:

NM_032444.4(SLX4):c.800C>T (p.Ala267Val)

Gene: SLX4 (SLX4 structure-specific endonuclease subunit; minus strand). Cytogenetic location: 16p13.3.
Variant type: single nucleotide variant.
Coding change: c.800C>T on transcript NM_032444.4 (MANE Select); coding-DNA position 800, C replaced by T.
Protein change: p.Ala267Val; replaces alanine 267 with valine.
Molecular consequence: missense variant.
Genome position (GRCh38, 1-based): chr16:3,602,268, G>A on the plus strand (C>T on the coding strand, the complement: SLX4 is on the minus strand). VCF-style: chr16-3602268-G-A. GRCh37 (hg19) VCF-style: chr16-3652269-G-A.
Other names: short protein forms A267V.
Identifiers: ClinVar variation 844651 (VCV000844651.8), dbSNP rs752160984, ClinGen allele CA7866737.
Genomic context (GRCh38, chr16:3,602,268, plus strand): 5'-CTATCATCATGTGCCGATGCTCCTACCCGTGCAAACTCCTGCTGCAGGGTCAAGGCCACC[G>A]CAGCGTCGCTCTCTGGGGCAGGGGGCCCAAGCCCATACACTGTGGAGAAGCACCAAAGAT-3'
Protein context (NP_115820.2, residues 257-277): LGPPAPESDA[Ala267Val]VALTLQQEFA

ClinVar aggregate classification (germline): Uncertain significance. Review status: criteria provided, multiple submitters, no conflicts (2 of 4 stars). 2 submissions from 2 submitters: Uncertain significance (2). Last evaluated 2023-12-28.

Conditions:
Fanconi anemia (FA). Also called: Fanconi's anemia. Identifiers: Orphanet 84, MedGen C0015625, MeSH D005199, MONDO:0019391.

Allele frequency attached by ClinVar (database versions not stated): ExAC 0.00001; gnomAD exomes 0.00002 and 0.00003; gnomAD 0.00003 and 0.00004; TOPMed 0.00005.

Submissions (2):

Women's Health and Genetics/Laboratory Corporation of America, LabCorp
Classification: Uncertain significance. Last evaluated: 2023-12-28. Review status: criteria provided, single submitter. Criteria: LabCorp Variant Classification Summary - May 2015. Collection method: clinical testing. Allele origin: germline.
Comment: Variant summary: BTBD12 c.800C>T (p.Ala267Val) results in a non-conservative amino acid change in the encoded protein sequence. Four of five in-silico tools predict a benign effect of the variant on protein function. The variant allele was found at a frequency of 2.4e-05 in 251390 control chromosomes (gnomAD). The available data on variant occurrences in the general population are insufficient to allow any conclusion about variant significance. To our knowledge, no occurrence of c.800C>T in individuals affected with Fanconi Anemia and no experimental evidence demonstrating its impact on protein function have been reported. One submitter has cited a clinical-significance assessment for this variant to ClinVar after 2014 and has classified the variant as uncertain significance. Based on the evidence outlined above, the variant was classified as uncertain significance.

Labcorp Genetics (formerly Invitae), Labcorp
Classification: Uncertain significance for Fanconi anemia. Last evaluated: 2022-08-19. Review status: criteria provided, single submitter. Criteria: Invitae Variant Classification Sherloc (09022015). Collection method: clinical testing. Allele origin: germline.
Comment: In summary, the available evidence is currently insufficient to determine the role of this variant in disease. Therefore, it has been classified as a Variant of Uncertain Significance. Algorithms developed to predict the effect of missense changes on protein structure and function output the following: SIFT: "Deleterious"; PolyPhen-2: "Benign"; Align-GVGD: "Class C0". The valine amino acid residue is found in multiple mammalian species, which suggests that this missense change does not adversely affect protein function. ClinVar contains an entry for this variant (Variation ID: 844651). This variant has not been reported in the literature in individuals affected with SLX4-related conditions. This variant is present in population databases (rs752160984, gnomAD 0.01%). This sequence change replaces alanine, which is neutral and non-polar, with valine, which is neutral and non-polar, at codon 267 of the SLX4 protein (p.Ala267Val).